The following is an entry in ClinVar:

ClinVar aggregate classification (germline): Pathogenic/Likely pathogenic. Review status: criteria provided, multiple submitters, no conflicts (2 of 4 stars). 4 submissions from 4 submitters: Pathogenic (1); Likely pathogenic (2). 1 of the submissions does not count toward it. Last evaluated 2024-03-25.

Conditions:
KLK4-related disorders.
Amelogenesis imperfecta type 2A1. Also called: Amelogenesis imperfecta, type IIA1; AMELOGENESIS IMPERFECTA, PIGMENTED HYPOMATURATION TYPE, 1. Identifiers: Orphanet 88661, MedGen C2673922, MONDO:0008772, OMIM 204700. Disease mechanism: loss of function.

Allele frequency attached by ClinVar (database versions not stated): gnomAD exomes 0.00006 and 0.00013; ExAC 0.00020; 1000 Genomes Project 0.00060; 1000 Genomes Project 30x 0.00062; gnomAD 0.00062 and 0.00068; TOPMed 0.00063.
gnomAD v4.1: 179 of 1,614,264 alleles (0.011%); highest among the groups gnomAD compares: African/African-American, 0.22%; 1 homozygote.

Submissions (4):

Laboratory for Molecular Medicine, Mass General Brigham Personalized Medicine
Classification: Likely pathogenic for Amelogenesis imperfecta type 2A1. Last evaluated: 2024-03-25. Review status: criteria provided, single submitter. Criteria: ACMG Guidelines, 2015. Collection method: clinical testing. Allele origin: germline. Inheritance: Autosomal recessive inheritance.
Comment: The p.Trp153X variant in KLK4 has been reported in 2 homozygous individuals with amelogenesis imperfecta and segregated with disease in at least 1 affected relative from 1 family (Hart 2004 PMID: 15235027, Wright 2011 PMID: 21597265). This variant has also been reported by other clinical laboratories in ClinVar (Variation ID 6079) and has been identified in 0.22% (92/41468) of African/African American chromosomes by gnomAD (v4.0.0). This nonsense variant leads to a premature termination codon at position 153, which is predicted to lead to a truncated or absent protein. Loss of function variants in the KLK4 gene have been reported in individuals with autosomal recessive amelogenesis imperfecta (Wang 2013 PMID: 23355523, Seymen 2015 PMID: 26124219, Smith 2017 PMID: 28611678, Lee 2022 PMID: 35207639). Additionally, studies have shown that KLK4 null mice had defective enamel, recapitulating features of the human phenotype (Simmer 2009 PubMed: 19578120, Nunez 2016 PMID: 26620968). In summary, although additional studies are required to fully establish its clinical significance, this variant meets criteria to be classified as likely pathogenic for autosomal recessive amelogenesis imperfecta. ACMG/AMP Criteria applied: PVS1, PM3.

GeneDx
Classification: Likely pathogenic. Last evaluated: 2024-02-13. Review status: criteria provided, single submitter. Criteria: GeneDx Variant Classification Process June 2021. Collection method: clinical testing. Allele origin: germline. Affected: yes.
Comment: Nonsense variant predicted to result in protein truncation or nonsense mediated decay in a gene for which loss of function is a known mechanism of disease; This variant is associated with the following publications: (PMID: 25525159, 31589614, 31345219, 26124219, 21597265, 25071586, 37228816, 15235027)

Blueprint Genetics
Classification: Pathogenic for KLK4-related disorders. Last evaluated: 2022-03-04. Review status: criteria provided, single submitter. Criteria: ACMG Guidelines, 2015. Collection method: clinical testing. Allele origin: germline. Affected: yes. Observed: 4 variant alleles.

OMIM
Classification: Pathogenic for AMELOGENESIS IMPERFECTA, HYPOMATURATION TYPE, IIA1. Last evaluated: 2011-01-01. Review status: no assertion criteria provided. Collection method: literature only. Allele origin: germline. Not counted in ClinVar's aggregate classification.

Literature cited by the submitters: PubMed 15235027 (cited by OMIM); PubMed 21597265 (cited by OMIM).

NM_004917.5(KLK4):c.458G>A (p.Trp153Ter)

Gene: KLK4 (kallikrein related peptidase 4; minus strand). Cytogenetic location: 19q13.41.
Variant type: single nucleotide variant.
Coding change: c.458G>A on transcript NM_004917.5 (MANE Select); coding-DNA position 458, G replaced by A.
Protein change: p.Trp153Ter; replaces tryptophan 153 with a stop codon.
Molecular consequence: nonsense. On other transcripts: non-coding transcript variant (1).
Genome position (GRCh38, 1-based): chr19:50,908,596, C>T on the plus strand (G>A on the coding strand, the complement: KLK4 is on the minus strand). VCF-style: chr19-50908596-C-T. GRCh37 (hg19) VCF-style: chr19-51411852-C-T.
Other names: c.458G>A (NM_004917.3); c.173G>A, p.Trp58Ter (NM_001302961.2); short protein forms W153*, W58*.
Identifiers: ClinVar variation 6079 (VCV000006079.5), dbSNP rs104894704, ClinGen allele CA117930.
Genomic context (GRCh38, chr19:50,908,596, plus strand): 5'-GAGGACCTCCTTGAAGAGGGCAGACACACACCCGTGAGCTCACCGTTCGCCAGCAGACCC[C>T]AGCCAGAAACGAGGCAAGAGTTCCCCGCGGTAGGGCACTGCGAAGCAATGCTGATGCTCC-3'